The following is an entry in ClinVar:

ClinVar aggregate classification (germline): Uncertain significance (1 of 4 stars; one submission).

Conditions:
Symmetrical dyschromatosis of extremities (DSH). Also called: RETICULATE ACROPIGMENTATION OF DOHI; SYMMETRIC DYSCHROMATOSIS OF THE EXTREMITIES; Dyschromatosis symmetrica hereditaria; DYSCHROMATOSIS SYMMETRICA HEREDITARIA 1. Identifiers: Orphanet 41, MedGen C0406775, MONDO:0007483, OMIM 127400.
Aicardi-Goutieres syndrome 6 (AGS6). Identifiers: Orphanet 51, MedGen C3539013, MONDO:0014007, OMIM 615010.

Allele frequency attached by ClinVar (database versions not stated): 1000 Genomes Project 0.00020; 1000 Genomes Project 30x 0.00031.
gnomAD v4.1: 1 of 1,614,170 alleles (0.000062%); highest among the groups gnomAD compares: Admixed American, 0.0017%; no homozygotes.

Submission:

Labcorp Genetics (formerly Invitae), Labcorp
Classification: Uncertain significance for Aicardi-Goutieres syndrome 6; Symmetrical dyschromatosis of extremities. Last evaluated: 2024-05-29. Review status: criteria provided, single submitter. Criteria: Invitae Variant Classification Sherloc (09022015). Collection method: clinical testing. Allele origin: germline.
Comment: This sequence change replaces methionine, which is neutral and non-polar, with leucine, which is neutral and non-polar, at codon 708 of the ADAR protein (p.Met708Leu). This variant is not present in population databases (gnomAD no frequency). This variant has not been reported in the literature in individuals affected with ADAR-related conditions. ClinVar contains an entry for this variant (Variation ID: 1382436). Advanced modeling of protein sequence and biophysical properties (such as structural, functional, and spatial information, amino acid conservation, physicochemical variation, residue mobility, and thermodynamic stability) performed at Invitae indicates that this missense variant is not expected to disrupt ADAR protein function with a negative predictive value of 80%. In summary, the available evidence is currently insufficient to determine the role of this variant in disease. Therefore, it has been classified as a Variant of Uncertain Significance.

NM_001111.5(ADAR):c.2122A>C (p.Met708Leu)

Gene: ADAR (adenosine deaminase RNA specific; minus strand). Cytogenetic location: 1q21.3.
Variant type: single nucleotide variant.
Coding change: c.2122A>C on transcript NM_001111.5 (MANE Select); coding-DNA position 2122, A replaced by C.
Protein change: p.Met708Leu; replaces methionine 708 with leucine.
Molecular consequence: missense variant. On other transcripts: intron variant (1).
Genome position (GRCh38, 1-based): chr1:154,596,953, T>G on the plus strand (A>C on the coding strand, the complement: ADAR is on the minus strand). VCF-style: chr1-154596953-T-G. GRCh37 (hg19) VCF-style: chr1-154569429-T-G.
Other names: c.1237A>C, p.Met413Leu (NM_001025107.3, NM_001193495.2, NM_001365046.1 and 3 more transcripts); c.2149A>C, p.Met717Leu (NM_001365045.1); c.2122A>C, p.Met708Leu (NM_015840.4); c.2080-15A>C (NM_015841.4); short protein forms M717L, M413L, M708L.
Identifiers: ClinVar variation 1382436 (VCV001382436.6), dbSNP rs548493468, ClinGen allele CA30860375.